The following is an entry in ClinVar:

ClinVar aggregate classification (germline): Uncertain significance (1 of 4 stars; one submission).

Submission:

Ambry Genetics
Classification: Uncertain significance. Last evaluated: 2018-05-23. Review status: criteria provided, single submitter. Criteria: Ambry Variant Classification Scheme 2023. Collection method: clinical testing. Allele origin: germline.
Comment: The p.R1243P variant (also known as c.3728G>C), located in coding exon 2 of the KIAA2022 gene, results from a G to C substitution at nucleotide position 3728. The arginine at codon 1243 is replaced by proline, an amino acid with dissimilar properties. This amino acid position is not well conserved in available vertebrate species. In addition, this alteration is predicted to be tolerated by in silico analysis. Since supporting evidence is limited at this time, the clinical significance of this alteration remains unclear.

NM_001008537.3(NEXMIF):c.3728G>C (p.Arg1243Pro)

Gene: NEXMIF (neurite extension and migration factor; minus strand). Cytogenetic location: Xq13.3.
Variant type: single nucleotide variant.
Coding change: c.3728G>C on transcript NM_001008537.3 (MANE Select); coding-DNA position 3728, G replaced by C.
Protein change: p.Arg1243Pro; replaces arginine 1243 with proline.
Molecular consequence: missense variant.
Genome position (GRCh38, 1-based): chrX:74,740,829, C>G on the plus strand (G>C on the coding strand, the complement: NEXMIF is on the minus strand). VCF-style: chrX-74740829-C-G. GRCh37 (hg19) VCF-style: chrX-73960664-C-G.
Other names: short protein forms R1243P.
Identifiers: ClinVar variation 1799622 (VCV001799622.2), dbSNP rs1256402686, ClinGen allele CA413664877.
Genomic context (GRCh38, chrX:74,740,829, plus strand): 5'-TGGATACATTCAGCCAATGTCTTCCCAGTGGAGGATATGGTGTTGGTTTGGCTTCCCCCA[C>G]GGCCAATGCCAATTTGCATTTTCTCTCCATTGATGGCAGCCATGTATTTCCCTTTCTTTG-3'
Protein context (NP_001008537.1, residues 1233-1253): NGEKMQIGIG[Arg1243Pro]GGSQTNTISS